The following is an entry in ClinVar:

NM_001122752.2(SERPINI1):c.1135C>T (p.Leu379Phe)

Gene: SERPINI1 (serpin family I member 1; plus strand). Cytogenetic location: 3q26.1.
Variant type: single nucleotide variant.
Coding change: c.1135C>T on transcript NM_001122752.2 (MANE Select); coding-DNA position 1135, C replaced by T.
Protein change: p.Leu379Phe; replaces leucine 379 with phenylalanine.
Molecular consequence: missense variant.
Genome position (GRCh38, 1-based): chr3:167,824,541, C>T. VCF-style: chr3-167824541-C-T. GRCh37 (hg19) VCF-style: chr3-167542329-C-T.
Other names: c.1135C>T, p.Leu379Phe (NM_005025.5); short protein forms L379F.
Identifiers: ClinVar variation 2866108 (VCV002866108.3), dbSNP rs2473330085, ClinGen allele CA355157944.

ClinVar aggregate classification (germline): Uncertain significance (1 of 4 stars; one submission).

Conditions:
Familial encephalopathy with neuroserpin inclusion bodies. Also called: ENCEPHALOPATHY, FAMILIAL, WITH COLLINS BODIES. Identifiers: Orphanet 85110, MedGen C1858680, MONDO:0011412, OMIM 604218.

Allele frequency attached by ClinVar (database versions not stated): gnomAD exomes below 0.00001.
gnomAD v4.1: 3 of 1,612,886 alleles (0.00019%); highest among the groups gnomAD compares: Non-Finnish European, 0.00017%; no homozygotes.

Submission:

Labcorp Genetics (formerly Invitae), Labcorp
Classification: Uncertain significance for Familial encephalopathy with neuroserpin inclusion bodies. Last evaluated: 2023-10-13. Review status: criteria provided, single submitter. Criteria: Invitae Variant Classification Sherloc (09022015). Collection method: clinical testing. Allele origin: germline.
Comment: This sequence change replaces leucine, which is neutral and non-polar, with phenylalanine, which is neutral and non-polar, at codon 379 of the SERPINI1 protein (p.Leu379Phe). This variant is not present in population databases (gnomAD no frequency). This variant has not been reported in the literature in individuals affected with SERPINI1-related conditions. Advanced modeling of protein sequence and biophysical properties (such as structural, functional, and spatial information, amino acid conservation, physicochemical variation, residue mobility, and thermodynamic stability) performed at Invitae indicates that this missense variant is not expected to disrupt SERPINI1 protein function. In summary, the available evidence is currently insufficient to determine the role of this variant in disease. Therefore, it has been classified as a Variant of Uncertain Significance.